The following is an entry in ClinVar:

NM_001190274.2(FBXO11):c.2757A>G (p.Ile919Met)

Genes: FBXO11 (F-box protein 11; minus strand), MSH6 (mutS homolog 6; plus strand). Cytogenetic location: 2p16.3.
Variant type: single nucleotide variant.
Coding change: c.2757A>G on transcript NM_001190274.2 (MANE Select); coding-DNA position 2757, A replaced by G.
Protein change: p.Ile919Met; replaces isoleucine 919 with methionine.
Molecular consequence: missense variant. On other transcripts: intron variant (6).
Genome position (GRCh38, 1-based): chr2:47,808,145, T>C on the plus strand (A>G on the coding strand, the complement: FBXO11 is on the minus strand). VCF-style: chr2-47808145-T-C. GRCh37 (hg19) VCF-style: chr2-48035284-T-C.
Other names: c.2505A>G, p.Ile835Met (NM_001374325.1, NM_025133.4); c.*43+1242T>C (NM_001406809.1); c.*40+1245T>C (NM_001406796.1, NM_001406811.1, NM_001406805.1 and 2 more transcripts); short protein forms I835M, I919M.
Identifiers: ClinVar variation 3630389 (VCV003630389.2).

ClinVar aggregate classification (germline): Uncertain significance (1 of 4 stars; one submission).

Submission:

Labcorp Genetics (formerly Invitae), Labcorp
Classification: Uncertain significance. Last evaluated: 2024-09-30. Review status: criteria provided, single submitter. Criteria: Invitae Variant Classification Sherloc (09022015). Collection method: clinical testing. Allele origin: germline.
Comment: This sequence change replaces isoleucine, which is neutral and non-polar, with methionine, which is neutral and non-polar, at codon 919 of the FBXO11 protein (p.Ile919Met). This variant is not present in population databases (gnomAD no frequency). This variant has not been reported in the literature in individuals affected with FBXO11-related conditions. An algorithm developed to predict the effect of missense changes on protein structure and function (PolyPhen-2) suggests that this variant is likely to be tolerated. In summary, the available evidence is currently insufficient to determine the role of this variant in disease. Therefore, it has been classified as a Variant of Uncertain Significance.